The following is an entry in ClinVar:

ClinVar aggregate classification (germline): Pathogenic/Likely pathogenic. Review status: criteria provided, multiple submitters, no conflicts (2 of 4 stars). 2 submissions from 2 submitters: Pathogenic (1); Likely pathogenic (1). Last evaluated 2025-11-10.

Conditions:
Hemochromatosis type 3 (HFE3). Also called: HEMOCHROMATOSIS DUE TO DEFECT IN TRANSFERRIN RECEPTOR 2; Hereditary hemochromatosis type 3; TFR2-Related Hemochromatosis. Identifiers: Orphanet 225123, MedGen C1858664, MONDO:0011417, OMIM 604250.
Hereditary hemochromatosis (HFE). Identifiers: MedGen C0392514, MONDO:0006507. Disease mechanism: loss of function.

Allele frequency attached by ClinVar (database versions not stated): gnomAD 0.00001; TOPMed 0.00001.
gnomAD v4.1: 1 of 1,548,894 alleles (0.000065%); highest among the groups gnomAD compares: Non-Finnish European, 0.000087%; no homozygotes.

Submissions (2):

Natera, Inc.
Classification: Likely pathogenic for Hereditary hemochromatosis type 3. Last evaluated: 2025-11-10. Review status: criteria provided, single submitter. Criteria: Natera Variant Classification Schema (03/2026). Collection method: clinical testing. Allele origin: germline.
Comment: The c.2092A>T variant in TFR2 is a nonsense variant predicted to introduce a stop codon at amino acid 698. This variant is expected to result in nonsense mediated decay, truncation, or a dysfunctional protein product. This variant is rare in the general population with a frequency below the threshold expected for the associated phenotype(s). Given the available evidence, this variant is classified as Likely Pathogenic.

Labcorp Genetics (formerly Invitae), Labcorp
Classification: Pathogenic for Hereditary hemochromatosis. Last evaluated: 2023-06-27. Review status: criteria provided, single submitter. Criteria: Invitae Variant Classification Sherloc (09022015). Collection method: clinical testing. Allele origin: germline.
Comment: For these reasons, this variant has been classified as Pathogenic. This variant disrupts a region of the TFR2 protein in which other variant(s) (p.Trp781*) have been determined to be pathogenic (PMID: 23600741; Invitae). This suggests that this is a clinically significant region of the protein, and that variants that disrupt it are likely to be disease-causing. ClinVar contains an entry for this variant (Variation ID: 1417753). This variant has not been reported in the literature in individuals affected with TFR2-related conditions. This variant is not present in population databases (gnomAD no frequency). This sequence change creates a premature translational stop signal (p.Arg698*) in the TFR2 gene. While this is not anticipated to result in nonsense mediated decay, it is expected to disrupt the last 104 amino acid(s) of the TFR2 protein.

Literature cited by the submitters: PubMed 23600741 (cited by Labcorp Genetics (formerly Invitae), Labcorp).

NM_003227.4(TFR2):c.2092A>T (p.Arg698Ter)

Genes: TFR2 (transferrin receptor 2; minus strand), LOC113687175 (Sharpr-MPRA regulatory region 4647; plus strand). Cytogenetic location: 7q22.1.
Variant type: single nucleotide variant.
Coding change: c.2092A>T on transcript NM_003227.4 (MANE Select); coding-DNA position 2092, A replaced by T.
Protein change: p.Arg698Ter; replaces arginine 698 with a stop codon.
Molecular consequence: nonsense.
Genome position (GRCh38, 1-based): chr7:100,626,807, T>A on the plus strand (A>T on the coding strand, the complement: TFR2 is on the minus strand). VCF-style: chr7-100626807-T-A. GRCh37 (hg19) VCF-style: chr7-100224430-T-A.
Other names: c.2092A>T (NM_003227.3); c.1579A>T, p.Arg527Ter (NM_001206855.3); short protein forms R527*, R698*.
Identifiers: ClinVar variation 1417753 (VCV001417753.9), dbSNP rs1478674823, ClinGen allele CA368522761.